The following is an entry in ClinVar:

ClinVar aggregate classification (germline): Uncertain significance. Review status: criteria provided, multiple submitters, no conflicts (2 of 4 stars). 3 submissions from 3 submitters: Uncertain significance (3). Last evaluated 2026-07-06.

Conditions:
Hereditary cancer-predisposing syndrome. Also called: Hereditary neoplastic syndrome; Neoplastic Syndromes, Hereditary; Tumor predisposition; Hereditary Cancer Syndrome. Identifiers: Orphanet 140162, MedGen C0027672, MeSH D009386, MONDO:0015356.
Hereditary diffuse gastric adenocarcinoma (HDGC). Also called: DIFFUSE GASTRIC AND LOBULAR BREAST CANCER SYNDROME. Identifiers: Orphanet 26106, MedGen C1708349, MONDO:0007648, OMIM 137215.

Submissions (3):

Ambry Genetics
Classification: Uncertain significance for Hereditary cancer-predisposing syndrome. Last evaluated: 2026-07-06. Review status: criteria provided, single submitter. Criteria: Ambry Variant Classification Scheme 2023. Collection method: clinical testing. Allele origin: germline.
Comment: The p.F602S variant (also known as c.1805T>C), located in coding exon 12 of the CDH1 gene, results from a T to C substitution at nucleotide position 1805. The phenylalanine at codon 602 is replaced by serine, an amino acid with highly dissimilar properties. This amino acid position is conserved. In addition, this alteration is predicted to be tolerated by in silico analysis. Based on the available evidence, the clinical significance of this variant remains unclear.

Labcorp Genetics (formerly Invitae), Labcorp
Classification: Uncertain significance for Hereditary diffuse gastric adenocarcinoma. Last evaluated: 2023-04-22. Review status: criteria provided, single submitter. Criteria: Invitae Variant Classification Sherloc (09022015). Collection method: clinical testing. Allele origin: germline.
Comment: This sequence change replaces phenylalanine, which is neutral and non-polar, with serine, which is neutral and polar, at codon 602 of the CDH1 protein (p.Phe602Ser). In summary, the available evidence is currently insufficient to determine the role of this variant in disease. Therefore, it has been classified as a Variant of Uncertain Significance. An algorithm developed to predict the effect of missense changes on protein structure and function (PolyPhen-2) suggests that this variant is likely to be tolerated. ClinVar contains an entry for this variant (Variation ID: 1980253). This variant has not been reported in the literature in individuals affected with CDH1-related conditions. This variant is not present in population databases (gnomAD no frequency).

Revvity Omics, Revvity
Classification: Uncertain significance. Last evaluated: 2022-12-08. Review status: criteria provided, single submitter. Criteria: ACMG Guidelines, 2015. Collection method: clinical testing. Allele origin: germline.

NM_004360.5(CDH1):c.1805T>C (p.Phe602Ser)

Gene: CDH1 (cadherin 1; plus strand). Cytogenetic location: 16q22.1.
Variant type: single nucleotide variant.
Coding change: c.1805T>C on transcript NM_004360.5 (MANE Select); coding-DNA position 1805, T replaced by C.
Protein change: p.Phe602Ser; replaces phenylalanine 602 with serine.
Molecular consequence: missense variant. On other transcripts: 5 prime UTR variant (1).
Genome position (GRCh38, 1-based): chr16:68,822,094, T>C. VCF-style: chr16-68822094-T-C. GRCh37 (hg19) VCF-style: chr16-68855997-T-C.
Other names: c.1622T>C, p.Phe541Ser (NM_001317184.2); c.257T>C, p.Phe86Ser (NM_001317185.2); c.-161T>C (NM_001317186.2); short protein forms F602S, F541S, F86S.
Identifiers: ClinVar variation 1980253 (VCV001980253.8), dbSNP rs2543942386, ClinGen allele CA396466745.